The following is an entry in ClinVar:

ClinVar aggregate classification (germline): Likely benign (1 of 4 stars; one submission).

Submission:

CeGaT Center for Human Genetics Tuebingen
Classification: Likely benign. Last evaluated: 2024-09-01. Review status: criteria provided, single submitter. Criteria: CeGaT Center For Human Genetics Tuebingen Variant Classification Criteria Version 2. Collection method: clinical testing. Allele origin: germline. Affected: yes. Observed: 1 variant allele.
Comment: PCDHGA3: BP4, BP7

NM_018916.4(PCDHGA3):c.1890A>C (p.Arg630=)

Genes: PCDHG@ (protocadherin gamma cluster; plus strand), PCDHGA1 (protocadherin gamma subfamily A, 1; plus strand), PCDHGA2 (protocadherin gamma subfamily A, 2; plus strand), PCDHGA3 (protocadherin gamma subfamily A, 3; plus strand). Cytogenetic location: 5q31.3.
Variant type: single nucleotide variant.
Coding change: c.1890A>C on transcript NM_018916.4 (MANE Select); coding-DNA position 1890, A replaced by C.
Protein change: p.Arg630=; no amino-acid change (arginine 630 retained).
Molecular consequence: synonymous variant. On other transcripts: intron variant (2).
Genome position (GRCh38, 1-based): chr5:141,345,923, A>C. VCF-style: chr5-141345923-A-C. GRCh37 (hg19) VCF-style: chr5-140725490-A-C.
Other names: c.1890A>C, p.Arg630= (NM_032011.2); c.2421+12818A>C (NM_018912.3); c.2424+4528A>C (NM_018915.4).
Identifiers: ClinVar variation 3388243 (VCV003388243.14).